The following is an entry in ClinVar:

NM_138425.4(C12orf57):c.30C>T (p.Ala10=)

Gene: C12orf57 (chromosome 12 open reading frame 57; plus strand). Cytogenetic location: 12p13.31.
Variant type: single nucleotide variant.
Coding change: c.30C>T on transcript NM_138425.4 (MANE Select); coding-DNA position 30, C replaced by T.
Protein change: p.Ala10=; no amino-acid change (alanine 10 retained).
Molecular consequence: synonymous variant. On other transcripts: 5 prime UTR variant (1), non-coding transcript variant (1), intron variant (1).
Genome position (GRCh38, 1-based): chr12:6,944,151, C>T. VCF-style: chr12-6944151-C-T. GRCh37 (hg19) VCF-style: chr12-7053314-C-T.
Other names: c.30C>T, p.Ala10= (NM_001301834.1, NM_001301837.2); c.-172C>T (NM_001301838.2); c.14-325C>T (NM_001301836.2).
Identifiers: ClinVar variation 434548 (VCV000434548.18), dbSNP rs199643110, ClinGen allele CA6421183.

ClinVar aggregate classification (germline): Benign/Likely benign. Review status: criteria provided, multiple submitters, no conflicts (2 of 4 stars). 4 submissions from 4 submitters: Benign (1); Likely benign (2). 1 of the submissions does not count toward it. Last evaluated 2026-01-11.

Conditions:
C12orf57-related disorder. Also called: C12orf57-related condition.
Temtamy syndrome (TEMTYS). Also called: MENTAL RETARDATION WITH OR WITHOUT CRANIOFACIAL DYSMORPHISM, OCULAR COLOBOMA, OR ABNORMAL CORPUS CALLOSUM. Identifiers: Orphanet 1777, MedGen C1857512, MONDO:0009033, OMIM 218340.

Allele frequency attached by ClinVar (database versions not stated): gnomAD below 0.00001 and 0.00020; TOPMed 0.00006; gnomAD exomes 0.00037 and 0.00075; ExAC 0.00091; 1000 Genomes Project 30x 0.00141; 1000 Genomes Project 0.00160.
gnomAD v4.1: 568 of 1,614,246 alleles (0.035%); highest among the groups gnomAD compares: South Asian, 0.6%; 6 homozygotes.

Submissions (4):

Labcorp Genetics (formerly Invitae), Labcorp
Classification: Benign for Temtamy syndrome. Last evaluated: 2026-01-11. Review status: criteria provided, single submitter. Criteria: Invitae Variant Classification Sherloc (09022015). Collection method: clinical testing. Allele origin: germline.

Blueprint Genetics
Classification: Likely benign. Last evaluated: 2024-11-25. Review status: criteria provided, single submitter. Criteria: ACMG Guidelines, 2015. Collection method: clinical testing. Allele origin: germline.

Genetic Services Laboratory, University of Chicago
Classification: Likely benign. Last evaluated: 2016-09-12. Review status: criteria provided, single submitter. Criteria: ACMG Guidelines, 2015. Collection method: clinical testing. Allele origin: germline. Affected: no.

PreventionGenetics, part of Exact Sciences
Classification: Likely benign for C12orf57-related condition. Last evaluated: 2024-06-03. Review status: no assertion criteria provided. Collection method: clinical testing. Allele origin: germline. Not counted in ClinVar's aggregate classification.
Comment: This variant is classified as likely benign based on ACMG/AMP sequence variant interpretation guidelines (Richards et al. 2015 PMID: 25741868, with internal and published modifications).